The following is an entry in ClinVar:

ClinVar aggregate classification (germline): Uncertain significance (1 of 4 stars; one submission).

Allele frequency attached by ClinVar (database versions not stated): gnomAD exomes below 0.00001.
gnomAD v4.1: 1 of 1,596,450 alleles (0.000063%); highest among the groups gnomAD compares: Non-Finnish European, 0.000086%; no homozygotes.

Submission:

Labcorp Genetics (formerly Invitae), Labcorp
Classification: Uncertain significance. Last evaluated: 2023-07-29. Review status: criteria provided, single submitter. Criteria: Invitae Variant Classification Sherloc (09022015). Collection method: clinical testing. Allele origin: germline.
Comment: In summary, the available evidence is currently insufficient to determine the role of this variant in disease. Therefore, it has been classified as a Variant of Uncertain Significance. Advanced modeling of protein sequence and biophysical properties (such as structural, functional, and spatial information, amino acid conservation, physicochemical variation, residue mobility, and thermodynamic stability) performed at Invitae indicates that this missense variant is expected to disrupt LOX protein function. This variant has not been reported in the literature in individuals affected with LOX-related conditions. This variant is not present in population databases (gnomAD no frequency). This sequence change replaces cysteine, which is neutral and slightly polar, with arginine, which is basic and polar, at codon 351 of the LOX protein (p.Cys351Arg).

NM_002317.7(LOX):c.1051T>C (p.Cys351Arg)

Genes: LOX (lysyl oxidase; minus strand), SRFBP1 (serum response factor binding protein 1; plus strand). Cytogenetic location: 5q23.1.
Variant type: single nucleotide variant.
Coding change: c.1051T>C on transcript NM_002317.7 (MANE Select); coding-DNA position 1051, T replaced by C.
Protein change: p.Cys351Arg; replaces cysteine 351 with arginine.
Molecular consequence: missense variant.
Genome position (GRCh38, 1-based): chr5:122,070,574, A>G on the plus strand (T>C on the coding strand, the complement: LOX is on the minus strand). VCF-style: chr5-122070574-A-G. GRCh37 (hg19) VCF-style: chr5-121406269-A-G.
Other names: c.361T>C, p.Cys121Arg (NM_001178102.2); c.160T>C, p.Cys54Arg (NM_001317073.1); short protein forms C351R, C54R, C121R.
Identifiers: ClinVar variation 2748328 (VCV002748328.3), dbSNP rs2532902247, ClinGen allele CA360880612.
Genomic context (GRCh38, chr5:122,070,574, plus strand): 5'-GTTTTACATCTGTAATATCAATCCACTGGCAGTCTATGTCTGCACCATAGGTATCATAAC[A>G]GCCAGGACTCAATCCCTAAGATAAACAAAATAAAAAATTTAAAATTATGGTATGTGGTCA-3'
Protein context (NP_002308.2, residues 341-361): TAHTQGLSPG[Cys351Arg]YDTYGADIDC